The following is an entry in ClinVar:

GRCh38/hg38 Xp22.33(chrX:2790845-2877956)x0

Genes: GYG2 (glycogenin 2; plus strand), XG (Xg glycoprotein (Xg blood group); plus strand), LOC126863189 (CDK7 strongly-dependent group 2 enhancer GRCh37_chrX:2722445-2723644; plus strand). Cytogenetic location: Xp22.33.
Variant type: copy number loss.
Change: copy number 0 of chrX:2,790,845-2,877,956 (87.1 kb, GRCh38 coordinates, 1-based), cytogenetic band Xp22.33.
Identifiers: ClinVar variation 160939 (VCV000160939.1).

ClinVar aggregate classification (germline): Uncertain significance (1 of 4 stars; one submission).

Submission:

ISCA site 14
Classification: Uncertain significance. Last evaluated: 2011-08-12. Review status: criteria provided, single submitter. Criteria: Kaminsky et al. (Genet Med. 2011). Collection method: clinical testing. Allele origin: maternal. Affected: yes. Observed: 1 variant allele.
Comment: Copy number variation identified through the course of routine clinical cytogenomic testing in postnatal populations. Clinical assertions have been curated as described in Kaminsky et al. 2011.